The following is an entry in ClinVar:

ClinVar aggregate classification (germline): Uncertain significance. Review status: criteria provided, multiple submitters, no conflicts (2 of 4 stars). 2 submissions from 2 submitters: Uncertain significance (2). Last evaluated 2021-01-15.

Conditions:
Hereditary cancer-predisposing syndrome. Also called: Neoplastic Syndromes, Hereditary; Tumor predisposition; Hereditary neoplastic syndrome; Hereditary Cancer Syndrome. Identifiers: Orphanet 140162, MedGen C0027672, MeSH D009386, MONDO:0015356.

Allele frequency attached by ClinVar (database versions not stated): gnomAD exomes below 0.00001; ExAC 0.00001.

Submissions (2):

Labcorp Genetics (formerly Invitae), Labcorp
Classification: Uncertain significance for Hereditary cancer-predisposing syndrome. Last evaluated: 2021-01-15. Review status: criteria provided, single submitter. Criteria: Invitae Variant Classification Sherloc (09022015). Collection method: clinical testing. Allele origin: germline.
Comment: This sequence change replaces valine with phenylalanine at codon 146 of the RAD50 protein (p.Val146Phe). The valine residue is highly conserved and there is a small physicochemical difference between valine and phenylalanine. This variant is present in population databases (rs778914163, ExAC 0.001%). This variant has not been reported in the literature in individuals with RAD50-related conditions. ClinVar contains an entry for this variant (Variation ID: 824835). Algorithms developed to predict the effect of missense changes on protein structure and function (SIFT, PolyPhen-2, Align-GVGD) all suggest that this variant is likely to be disruptive, but these predictions have not been confirmed by published functional studies and their clinical significance is uncertain. In summary, the available evidence is currently insufficient to determine the role of this variant in disease. Therefore, it has been classified as a Variant of Uncertain Significance.

Ambry Genetics
Classification: Uncertain significance for Hereditary cancer-predisposing syndrome. Last evaluated: 2018-03-26. Review status: criteria provided, single submitter. Criteria: Ambry Variant Classification Scheme 2023. Collection method: clinical testing. Allele origin: germline.
Comment: The p.V146F variant (also known as c.436G>T), located in coding exon 4 of the RAD50 gene, results from a G to T substitution at nucleotide position 436. The valine at codon 146 is replaced by phenylalanine, an amino acid with highly similar properties. This amino acid position is highly conserved in available vertebrate species. In addition, this alteration is predicted to be deleterious by in silico analysis. Since supporting evidence is limited at this time, the clinical significance of this alteration remains unclear.

NM_005732.4(RAD50):c.436G>T (p.Val146Phe)

Gene: RAD50 (RAD50 double strand break repair protein; plus strand). Cytogenetic location: 5q31.1.
Variant type: single nucleotide variant.
Coding change: c.436G>T on transcript NM_005732.4 (MANE Select); coding-DNA position 436, G replaced by T.
Protein change: p.Val146Phe; replaces valine 146 with phenylalanine.
Molecular consequence: missense variant.
Genome position (GRCh38, 1-based): chr5:132,579,387, G>T. VCF-style: chr5-132579387-G-T. GRCh37 (hg19) VCF-style: chr5-131915079-G-T.
Other names: short protein forms V146F.
Identifiers: ClinVar variation 824835 (VCV000824835.12), dbSNP rs778914163, ClinGen allele CA3404985.